The following is an entry in ClinVar:

NM_000384.3(APOB):c.5570C>G (p.Ala1857Gly)

Gene: APOB (apolipoprotein B; minus strand). Cytogenetic location: 2p24.1.
Variant type: single nucleotide variant.
Coding change: c.5570C>G on transcript NM_000384.3 (MANE Select); coding-DNA position 5570, C replaced by G.
Protein change: p.Ala1857Gly; replaces alanine 1857 with glycine.
Molecular consequence: missense variant.
Genome position (GRCh38, 1-based): chr2:21,011,298, G>C on the plus strand (C>G on the coding strand, the complement: APOB is on the minus strand). VCF-style: chr2-21011298-G-C. GRCh37 (hg19) VCF-style: chr2-21234170-G-C.
Other names: short protein forms A1857G.
Identifiers: ClinVar variation 4125128 (VCV004125128.1).

ClinVar aggregate classification (germline): Uncertain significance (1 of 4 stars; one submission).

Conditions:
Cardiovascular phenotype. Identifiers: MedGen CN230736.

Submission:

Ambry Genetics
Classification: Uncertain significance for Cardiovascular phenotype. Last evaluated: 2025-07-29. Review status: criteria provided, single submitter. Criteria: Ambry Variant Classification Scheme 2023. Collection method: clinical testing. Allele origin: germline.
Comment: The p.A1857G variant (also known as c.5570C>G), located in coding exon 26 of the APOB gene, results from a C to G substitution at nucleotide position 5570. The alanine at codon 1857 is replaced by glycine, an amino acid with similar properties. This amino acid position is conserved. In addition, this alteration is predicted to be tolerated by in silico analysis. Based on the available evidence, the clinical significance of this variant remains unclear.